The following is an entry in ClinVar:

NM_000334.4(SCN4A):c.4541A>C (p.Asp1514Ala)

Genes: GH-LCR (growth hormone locus control region; plus strand), SCN4A (sodium voltage-gated channel alpha subunit 4; minus strand). Cytogenetic location: 17q23.3.
Variant type: single nucleotide variant.
Coding change: c.4541A>C on transcript NM_000334.4 (MANE Select); coding-DNA position 4541, A replaced by C.
Protein change: p.Asp1514Ala; replaces aspartic acid 1514 with alanine.
Molecular consequence: missense variant.
Genome position (GRCh38, 1-based): chr17:63,941,741, T>G on the plus strand (A>C on the coding strand, the complement: SCN4A is on the minus strand). VCF-style: chr17-63941741-T-G. GRCh37 (hg19) VCF-style: chr17-62019101-T-G.
Other names: short protein forms D1514A.
Identifiers: ClinVar variation 2705761 (VCV002705761.3), dbSNP rs2509284859, ClinGen allele CA400615797.

ClinVar aggregate classification (germline): Uncertain significance (1 of 4 stars; one submission).

Conditions:
Hyperkalemic periodic paralysis. Also called: Familial hyperkalemic periodic paralysis; Gamstorp disease. Identifiers: Orphanet 682, MedGen C0238357, MONDO:0008224, OMIM 170500, HP:0007215.

Submission:

Labcorp Genetics (formerly Invitae), Labcorp
Classification: Uncertain significance for Hyperkalemic periodic paralysis. Last evaluated: 2024-01-04. Review status: criteria provided, single submitter. Criteria: Invitae Variant Classification Sherloc (09022015). Collection method: clinical testing. Allele origin: germline.
Comment: This sequence change replaces aspartic acid, which is acidic and polar, with alanine, which is neutral and non-polar, at codon 1514 of the SCN4A protein (p.Asp1514Ala). This variant is not present in population databases (gnomAD no frequency). This variant has not been reported in the literature in individuals affected with SCN4A-related conditions. Advanced modeling of protein sequence and biophysical properties (such as structural, functional, and spatial information, amino acid conservation, physicochemical variation, residue mobility, and thermodynamic stability) performed at Invitae indicates that this missense variant is expected to disrupt SCN4A protein function with a positive predictive value of 95%. In summary, the available evidence is currently insufficient to determine the role of this variant in disease. Therefore, it has been classified as a Variant of Uncertain Significance.